The following is an entry in ClinVar:

ClinVar aggregate classification (germline): Benign (1 of 4 stars; one submission).

Allele frequency attached by ClinVar (database versions not stated): 1000 Genomes Project 30x 0.67895; 1000 Genomes Project 0.68331; TOPMed 0.71569; gnomAD 0.72752 and 0.73010.
gnomAD v4.1: 110,777 of 151,930 alleles (73%); highest among the groups gnomAD compares: Non-Finnish European, 82%; 41,350 homozygotes.

Submission:

GeneDx
Classification: Benign. Last evaluated: 2018-06-14. Review status: criteria provided, single submitter. Criteria: GeneDx Variant Classification (06012015). Collection method: clinical testing. Allele origin: germline. Affected: yes.
Comment: This variant is considered likely benign or benign based on one or more of the following criteria: it is a conservative change, it occurs at a poorly conserved position in the protein, it is predicted to be benign by multiple in silico algorithms, and/or has population frequency not consistent with disease.

NM_003850.3(SUCLA2):c.1107+268T>C

Gene: SUCLA2 (succinate-CoA ligase ADP-forming subunit beta; minus strand). Cytogenetic location: 13q14.2.
Variant type: single nucleotide variant.
Coding change: c.1107+268T>C on transcript NM_003850.3 (MANE Select); 268 bases into the intron after coding-DNA position 1107, T replaced by C.
Molecular consequence: intron variant.
Genome position (GRCh38, 1-based): chr13:47,953,872, A>G on the plus strand (T>C on the coding strand, the complement: SUCLA2 is on the minus strand). VCF-style: chr13-47953872-A-G. GRCh37 (hg19) VCF-style: chr13-48528007-A-G.
Identifiers: ClinVar variation 671617 (VCV000671617.1), dbSNP rs7333821, ClinGen allele CA249256742.
Genomic context (GRCh38, chr13:47,953,872, plus strand): 5'-ACAAATATCTAGTGATTAATAATATATATGTCTTTTGAATTATGATACTTCACATCCCTT[A>G]TACTTTGATAATCATTAATAAACACATAGTTCTAAATTATGGCACATCTATAATGACAGA-3'